The following is an entry in ClinVar:

ClinVar aggregate classification (germline): Conflicting classifications of pathogenicity. Review status: criteria provided, conflicting classifications (1 of 4 stars). 2 submissions from 2 submitters: Likely pathogenic (1); Uncertain significance (1). Last evaluated 2025-09-19.

Conditions:
Hyper-IgM syndrome type 5 (HIGM5). Also called: Hyper-IgM Immunodeficiency Syndrome, Type 5. Identifiers: Orphanet 101092, MedGen C1720958, MONDO:0011971, OMIM 608106.

Allele frequency attached by ClinVar (database versions not stated): TOPMed below 0.00001; gnomAD 0.00001; gnomAD exomes 0.00001; ExAC 0.00008.
gnomAD v4.1: 17 of 1,541,626 alleles (0.0011%); highest among the groups gnomAD compares: Non-Finnish European, 0.0015%; no homozygotes.

Submissions (3):

Labcorp Genetics (formerly Invitae), Labcorp
Classification: Likely pathogenic for Hyper-IgM syndrome type 5. Last evaluated: 2025-09-19. Review status: criteria provided, single submitter. Criteria: Invitae Variant Classification Sherloc (09022015). Collection method: clinical testing. Allele origin: germline.
Comment: This sequence change affects a donor splice site in intron 1 of the UNG gene. It is expected to disrupt RNA splicing. Variants that disrupt the donor or acceptor splice site typically lead to a loss of protein function (PMID: 16199547), and loss-of-function variants in UNG are known to be pathogenic (PMID: 12958596). This variant is present in population databases (rs748974541, gnomAD 0.001%). This variant has not been reported in the literature in individuals affected with UNG-related conditions. ClinVar contains an entry for this variant (Variation ID: 2725894). Algorithms developed to predict the effect of sequence changes on RNA splicing suggest that this variant may disrupt the consensus splice site. In summary, the currently available evidence indicates that the variant is pathogenic, but additional data are needed to prove that conclusively. Therefore, this variant has been classified as Likely Pathogenic.

Blueprint Genetics
Classification: Uncertain significance. Last evaluated: 2022-08-01. Review status: criteria provided, single submitter. Criteria: ACMG Guidelines, 2015. Collection method: clinical testing. Allele origin: germline.

Dr. Peter K. Rogan Lab, Western University
No classification provided (evidence only). Condition: Colorectal cancer. Review status: no classification provided. Collection method: in vitro. Allele origin: not applicable. Functional consequence: retained intron. Not counted in ClinVar's aggregate classification.

Literature cited by the submitters: PubMed 16199547 (cited by Labcorp Genetics (formerly Invitae), Labcorp); PubMed 12958596 (cited by Labcorp Genetics (formerly Invitae), Labcorp).

NM_080911.3(UNG):c.132+1G>A

Genes: UNG (uracil DNA glycosylase; plus strand), LOC130008712 (ATAC-STARR-seq lymphoblastoid silent region 4838; plus strand). Cytogenetic location: 12q24.11.
Variant type: single nucleotide variant.
Coding change: c.132+1G>A on transcript NM_080911.3 (MANE Select); the canonical splice donor site of the intron after coding-DNA position 132, G replaced by A.
Molecular consequence: splice donor variant.
Genome position (GRCh38, 1-based): chr12:109,097,812, G>A. VCF-style: chr12-109097812-G-A. GRCh37 (hg19) VCF-style: chr12-109535617-G-A.
Identifiers: ClinVar variation 2725894 (VCV002725894.5), dbSNP rs748974541, ClinGen allele CA6772455.